The following is an entry in ClinVar:

NM_016239.4(MYO15A):c.1578_1585del (p.Tyr527fs)

Gene: MYO15A (myosin XVA; plus strand). Cytogenetic location: 17p11.2.
Variant type: Deletion.
Coding change: c.1578_1585del on transcript NM_016239.4 (MANE Select); coding-DNA positions 1578 to 1585, 8 bases deleted (CTACGGCC; older notation c.1578_1585delCTACGGCC).
Protein change: p.Tyr527fs; shifts the reading frame from tyrosine 527.
Molecular consequence: frameshift variant.
Genome position (GRCh38, 1-based): chr17:18,120,378-18,120,385, CTACGGCC deleted; deleting any 8 consecutive bases within chr17:18,120,375-18,120,385 gives the same sequence; the c. name uses the placement nearest the transcript's 3' end. VCF-style (leftmost placement, unchanged base first): chr17-18120374-TGCCCTACG-T. GRCh37 (hg19) VCF-style: chr17-18023688-TGCCCTACG-T.
Other names: short protein forms Y527fs.
Identifiers: ClinVar variation 2772259 (VCV002772259.3), dbSNP rs2545181239, ClinGen allele CA2697559455.
Genomic context (GRCh38, chr17:18,120,374, plus strand): 5'-TCCCCTTGGGGGATGCGGACGAAGAAGAGGACGAGGAGGAGCTGCCCCCGGTTTCCGCTG[TGCCCTACG>T]GCCACCCTTTCTGGGGCTTCCTCACGCCGCGCCAGCGCAACCTCCAGCGCGCGCTGTCGG-3'

ClinVar aggregate classification (germline): Pathogenic (1 of 4 stars; one submission).

Submission:

Labcorp Genetics (formerly Invitae), Labcorp
Classification: Pathogenic. Last evaluated: 2023-10-28. Review status: criteria provided, single submitter. Criteria: Invitae Variant Classification Sherloc (09022015). Collection method: clinical testing. Allele origin: germline.
Comment: This sequence change creates a premature translational stop signal (p.Tyr527Profs*31) in the MYO15A gene. It is expected to result in an absent or disrupted protein product. Loss-of-function variants in MYO15A are known to be pathogenic (PMID: 17546645). This variant is not present in population databases (gnomAD no frequency). This variant has not been reported in the literature in individuals affected with MYO15A-related conditions. For these reasons, this variant has been classified as Pathogenic.

Literature cited by the submitters: PubMed 17546645.